The following is an entry in ClinVar:

NM_005045.4(RELN):c.1713G>T (p.Met571Ile)

Gene: RELN (reelin; minus strand). Cytogenetic location: 7q22.1.
Variant type: single nucleotide variant.
Coding change: c.1713G>T on transcript NM_005045.4 (MANE Select); coding-DNA position 1713, G replaced by T.
Protein change: p.Met571Ile; replaces methionine 571 with isoleucine.
Molecular consequence: missense variant.
Genome position (GRCh38, 1-based): chr7:103,652,601, C>A on the plus strand (G>T on the coding strand, the complement: RELN is on the minus strand). VCF-style: chr7-103652601-C-A. GRCh37 (hg19) VCF-style: chr7-103293048-C-A.
Other names: c.1713G>T, p.Met571Ile (NM_173054.3); short protein forms M571I.
Identifiers: ClinVar variation 2944630 (VCV002944630.3), dbSNP rs2484840325, ClinGen allele CA368765439.
Genomic context (GRCh38, chr7:103,652,601, plus strand): 5'-GGCTTCCTACCTGTTACCAGGCTGATGCGTTCCACATCCCAGATTGATGGAAAACTGTAT[C>A]ATGTGAGACATTGTAGAAGGGAGAACAGGCAAGACATGGAAAAAGTCTACAGCCCAGACA-3'
Protein context (NP_005036.2, residues 561-581): LPVLPSTMSH[Met571Ile]IQFSINLGCG

ClinVar aggregate classification (germline): Uncertain significance (1 of 4 stars; one submission).

Conditions:
Norman-Roberts syndrome (LIS2). Also called: Lissencephaly 2 (Norman-Roberts type). Identifiers: Orphanet 89844, MedGen C0796089, MONDO:0009760, OMIM 257320.
Familial temporal lobe epilepsy 7. Identifiers: Orphanet 101046, MedGen C4225327, MONDO:0014639, OMIM 616436.

Submission:

Labcorp Genetics (formerly Invitae), Labcorp
Classification: Uncertain significance for Familial temporal lobe epilepsy 7; Norman-Roberts syndrome. Last evaluated: 2023-02-22. Review status: criteria provided, single submitter. Criteria: Invitae Variant Classification Sherloc (09022015). Collection method: clinical testing. Allele origin: germline.
Comment: In summary, the available evidence is currently insufficient to determine the role of this variant in disease. Therefore, it has been classified as a Variant of Uncertain Significance. Advanced modeling of protein sequence and biophysical properties (such as structural, functional, and spatial information, amino acid conservation, physicochemical variation, residue mobility, and thermodynamic stability) performed at Invitae indicates that this missense variant is not expected to disrupt RELN protein function. This variant has not been reported in the literature in individuals affected with RELN-related conditions. This variant is not present in population databases (gnomAD no frequency). This sequence change replaces methionine, which is neutral and non-polar, with isoleucine, which is neutral and non-polar, at codon 571 of the RELN protein (p.Met571Ile).